The following is an entry in ClinVar:

ClinVar aggregate classification (germline): Pathogenic (1 of 4 stars; one submission).

Conditions:
Alagille syndrome due to a JAG1 point mutation. Also called: Alagille Syndrome 1; HEPATIC DUCTULAR HYPOPLASIA, SYNDROMATIC; JAG1-Related Alagille Syndrome. Identifiers: Orphanet 261619, Orphanet 52, MedGen C1956125, MONDO:0016862, OMIM 118450.

Submission:

Labcorp Genetics (formerly Invitae), Labcorp
Classification: Pathogenic for Alagille syndrome due to a JAG1 point mutation. Last evaluated: 2025-09-05. Review status: criteria provided, single submitter. Criteria: Invitae Variant Classification Sherloc (09022015). Collection method: clinical testing. Allele origin: germline.
Comment: This sequence change creates a premature translational stop signal (p.Cys925Serfs*18) in the JAG1 gene. It is expected to result in an absent or disrupted protein product. Loss-of-function variants in JAG1 are known to be pathogenic (PMID: 11180599). Information on the frequency of this variant in the gnomAD database is not available, as this variant may be reported differently in the database. This premature translational stop signal has been observed in individual(s) with Alagille syndrome (PMID: 16575836). This variant is also known as c.2773_2787delinsCCAGGGCA. For these reasons, this variant has been classified as Pathogenic.

Literature cited by the submitters: PubMed 11180599; PubMed 16575836.

NM_000214.3(JAG1):c.2774_2788delinsCCAGGGCA (p.Cys925fs)

Gene: JAG1 (jagged canonical Notch ligand 1; minus strand). Cytogenetic location: 20p12.2.
Variant type: Indel.
Coding change: c.2774_2788delinsCCAGGGCA on transcript NM_000214.3 (MANE Select); coding-DNA positions 2774 to 2788, GCTTCGTCCACCCCT replaced by CCAGGGCA.
Protein change: p.Cys925fs; shifts the reading frame from cysteine 925.
Molecular consequence: frameshift variant.
Genome position (GRCh38, 1-based): chr20:10,641,588-10,641,602, AGGGGTGGACGAAGC replaced by TGCCCTGG on the plus strand (GCTTCGTCCACCCCT replaced by CCAGGGCA on the coding strand, the reverse complement: JAG1 is on the minus strand). VCF-style: chr20-10641588-AGGGGTGGACGAAGC-TGCCCTGG. GRCh37 (hg19) VCF-style: chr20-10622236-AGGGGTGGACGAAGC-TGCCCTGG.
Other names: c.2774_2788delinsCCAGGGCA, p.Cys925fs (LRG_1191t1); short protein forms C925fs.
Identifiers: ClinVar variation 536527 (VCV000536527.5), dbSNP rs1555827769, ClinGen allele CA658799327.